The following is an entry in ClinVar:

ClinVar aggregate classification (germline): Uncertain significance (1 of 4 stars; one submission).

Conditions:
Familial cold autoinflammatory syndrome 3 (FCAS3). Also called: FAMILIAL ATYPICAL COLD URTICARIA; ANTIBODY DEFICIENCY AND IMMUNE DYSREGULATION, PLCG2-ASSOCIATED. Identifiers: Orphanet 300359, MedGen C3280914, MONDO:0013766, OMIM 614468.

Submission:

Labcorp Genetics (formerly Invitae), Labcorp
Classification: Uncertain significance for Familial cold autoinflammatory syndrome 3. Last evaluated: 2023-03-16. Review status: criteria provided, single submitter. Criteria: Invitae Variant Classification Sherloc (09022015). Collection method: clinical testing. Allele origin: germline.
Comment: This variant is not present in population databases (gnomAD no frequency). This sequence change replaces proline, which is neutral and non-polar, with serine, which is neutral and polar, at codon 1040 of the PLCG2 protein (p.Pro1040Ser). This variant has not been reported in the literature in individuals affected with PLCG2-related conditions. In summary, the available evidence is currently insufficient to determine the role of this variant in disease. Therefore, it has been classified as a Variant of Uncertain Significance. An algorithm developed to predict the effect of missense changes on protein structure and function (PolyPhen-2) suggests that this variant is likely to be disruptive.

NM_002661.5(PLCG2):c.3118C>T (p.Pro1040Ser)

Gene: PLCG2 (phospholipase C gamma 2; plus strand). Cytogenetic location: 16q23.3.
Variant type: single nucleotide variant.
Coding change: c.3118C>T on transcript NM_002661.5 (MANE Select); coding-DNA position 3118, C replaced by T.
Protein change: p.Pro1040Ser; replaces proline 1040 with serine.
Molecular consequence: missense variant.
Genome position (GRCh38, 1-based): chr16:81,937,823, C>T. VCF-style: chr16-81937823-C-T. GRCh37 (hg19) VCF-style: chr16-81971428-C-T.
Other names: c.3118C>T, p.Pro1040Ser (NM_001425749.1, NM_001425750.1, NM_001425751.1); short protein forms P1040S.
Identifiers: ClinVar variation 2846398 (VCV002846398.3), dbSNP rs2507759707, ClinGen allele CA396906753.